The following is an entry in ClinVar:

NM_000038.6(APC):c.1259G>C (p.Cys420Ser)

Gene: APC (APC regulator of Wnt signaling pathway; plus strand). Cytogenetic location: 5q22.2.
Variant type: single nucleotide variant.
Coding change: c.1259G>C on transcript NM_000038.6 (MANE Select); coding-DNA position 1259, G replaced by C.
Protein change: p.Cys420Ser; replaces cysteine 420 with serine.
Molecular consequence: missense variant. On other transcripts: non-coding transcript variant (2).
Genome position (GRCh38, 1-based): chr5:112,819,291, G>C. VCF-style: chr5-112819291-G-C. GRCh37 (hg19) VCF-style: chr5-112154988-G-C.
Other names: c.1259G>C, p.Cys420Ser (NM_001127510.3, NM_001354895.2, NM_001354896.2 and 4 more transcripts); c.1205G>C, p.Cys402Ser (NM_001127511.3); c.1289G>C, p.Cys430Ser (NM_001354897.2, NM_001407446.1); c.1184G>C, p.Cys395Ser (NM_001354898.2, NM_001407451.1); c.1175G>C, p.Cys392Ser (NM_001354899.2, NM_001407452.1); c.1082G>C, p.Cys361Ser (NM_001354900.2, NM_001354901.2, NM_001407453.1); c.986G>C, p.Cys329Ser (NM_001354902.2); c.956G>C, p.Cys319Ser (NM_001354903.2, NM_001407454.1, NM_001407455.1 and 5 more transcripts); and 5 more; short protein forms C137S, C260S, C291S, C294S, C319S, C329S, C361S, C36S.
Identifiers: ClinVar variation 4861389 (VCV004861389.1).

ClinVar aggregate classification (germline): Uncertain significance (1 of 4 stars; one submission).

Conditions:
Hereditary cancer-predisposing syndrome. Also called: Neoplastic Syndromes, Hereditary; Tumor predisposition; Hereditary Cancer Syndrome; Hereditary neoplastic syndrome. Identifiers: Orphanet 140162, MedGen C0027672, MeSH D009386, MONDO:0015356.

gnomAD v4.1: 1 of 1,614,070 alleles (0.000062%); highest among the groups gnomAD compares: Non-Finnish European, 0.000085%; no homozygotes.

Submission:

Ambry Genetics
Classification: Uncertain significance for Hereditary cancer-predisposing syndrome. Last evaluated: 2026-04-27. Review status: criteria provided, single submitter. Criteria: Ambry Variant Classification Scheme 2023. Collection method: clinical testing. Allele origin: germline.
Comment: The p.C420S variant (also known as c.1259G>C), located in coding exon 9 of the APC gene, results from a G to C substitution at nucleotide position 1259. The cysteine at codon 420 is replaced by serine, an amino acid with dissimilar properties. This amino acid position is highly conserved in available vertebrate species. In addition, in silico predictors for this gene do not accurately predict pathogenicity. Missense variants in APC are not a common cause of disease (Spier I et al. Genet Med. 2024 Feb;26(2):100992). Based on the available evidence, the clinical significance of this variant remains unclear.